The following is an entry in ClinVar:

ClinVar aggregate classification (germline): Uncertain significance. Review status: criteria provided, multiple submitters, no conflicts (2 of 4 stars). 2 submissions from 2 submitters: Uncertain significance (2). Last evaluated 2025-07-22.

Allele frequency attached by ClinVar (database versions not stated): gnomAD 0.00042; TOPMed 0.00045.

Submissions (2):

Labcorp Genetics (formerly Invitae), Labcorp
Classification: Uncertain significance. Last evaluated: 2025-07-22. Review status: criteria provided, single submitter. Criteria: Invitae Variant Classification Sherloc (09022015). Collection method: clinical testing. Allele origin: germline.
Comment: This sequence change replaces histidine, which is basic and polar, with tyrosine, which is neutral and polar, at codon 459 of the NAF1 protein (p.His459Tyr). This variant is present in population databases (rs771014519, gnomAD 0.1%), and has an allele count higher than expected for a pathogenic variant. This variant has not been reported in the literature in individuals affected with NAF1-related conditions. ClinVar contains an entry for this variant (Variation ID: 2043821). An algorithm developed to predict the effect of missense changes on protein structure and function (PolyPhen-2) suggests that this variant is likely to be tolerated. In summary, the available evidence is currently insufficient to determine the role of this variant in disease. Therefore, it has been classified as a Variant of Uncertain Significance.

Ambry Genetics
Classification: Uncertain significance. Last evaluated: 2024-05-20. Review status: criteria provided, single submitter. Criteria: Ambry Variant Classification Scheme 2023. Collection method: clinical testing. Allele origin: germline.

NM_138386.3(NAF1):c.1375C>T (p.His459Tyr)

Gene: NAF1 (nuclear assembly factor 1 ribonucleoprotein; minus strand). Cytogenetic location: 4q32.2.
Variant type: single nucleotide variant.
Coding change: c.1375C>T on transcript NM_138386.3 (MANE Select); coding-DNA position 1375, C replaced by T.
Protein change: p.His459Tyr; replaces histidine 459 with tyrosine.
Molecular consequence: missense variant. On other transcripts: intron variant (1).
Genome position (GRCh38, 1-based): chr4:163,129,007, G>A on the plus strand (C>T on the coding strand, the complement: NAF1 is on the minus strand). VCF-style: chr4-163129007-G-A. GRCh37 (hg19) VCF-style: chr4-164050159-G-A.
Other names: c.1034-1892C>T (NM_001128931.2); c.1375C>T (NM_138386.2); short protein forms H459Y.
Identifiers: ClinVar variation 2043821 (VCV002043821.5), dbSNP rs771014519, ClinGen allele CA3126114.